The following is an entry in ClinVar:

ClinVar aggregate classification (germline): Uncertain significance. Review status: criteria provided, multiple submitters, no conflicts (2 of 4 stars). 2 submissions from 2 submitters: Uncertain significance (2). Last evaluated 2024-11-26.

Conditions:
Hereditary cancer-predisposing syndrome. Also called: Neoplastic Syndromes, Hereditary; Hereditary Cancer Syndrome; Tumor predisposition; Hereditary neoplastic syndrome. Identifiers: Orphanet 140162, MedGen C0027672, MeSH D009386, MONDO:0015356.
Neurofibromatosis, type 1 (NF1). Also called: VON RECKLINGHAUSEN DISEASE; NEUROFIBROMATOSIS, TYPE I, SOMATIC; Peripheral type neurofibromatosis; Neurofibromatosis, type I. Identifiers: Orphanet 636, MedGen C0027831, MONDO:0018975, OMIM 162200. Disease mechanism: loss of function.

Submissions (2):

Labcorp Genetics (formerly Invitae), Labcorp
Classification: Uncertain significance for Neurofibromatosis, type 1. Last evaluated: 2024-11-26. Review status: criteria provided, single submitter. Criteria: Invitae Variant Classification Sherloc (09022015). Collection method: clinical testing. Allele origin: germline.
Comment: This sequence change replaces leucine, which is neutral and non-polar, with valine, which is neutral and non-polar, at codon 1425 of the NF1 protein (p.Leu1425Val). This variant is not present in population databases (gnomAD no frequency). This variant has not been reported in the literature in individuals affected with NF1-related conditions. ClinVar contains an entry for this variant (Variation ID: 1692336). Invitae Evidence Modeling of protein sequence and biophysical properties (such as structural, functional, and spatial information, amino acid conservation, physicochemical variation, residue mobility, and thermodynamic stability) indicates that this missense variant is expected to disrupt NF1 protein function with a positive predictive value of 95%. This variant disrupts the p.Leu1425 amino acid residue in NF1. Other variant(s) that disrupt this residue have been determined to be pathogenic (PMID: 10607834, 10712197, 31730495). This suggests that this residue is clinically significant, and that variants that disrupt this residue are likely to be disease-causing. In summary, the available evidence is currently insufficient to determine the role of this variant in disease. Therefore, it has been classified as a Variant of Uncertain Significance.

Sema4
Classification: Uncertain significance for Hereditary cancer-predisposing syndrome. Last evaluated: 2021-10-24. Review status: criteria provided, single submitter. Criteria: Sema4 Curation Guidelines. Collection method: curation. Allele origin: germline.
Comment: The NF1 c.4273C>G (p.L1425V) variant has not been reported in the literature to our knowledge. This variant was not observed in the large and broad cohorts of the Genome Aggregation Database (PMID: 32461654). This variant has not been reported in ClinVar. Functional studies have not been performed, and in silico predictions of the variant's effect on protein function are inconclusive. Based on the current evidence available, this variant is interpreted as a variant of uncertain significance.

Literature cited by the submitters: PubMed 10607834 (cited by Labcorp Genetics (formerly Invitae), Labcorp); PubMed 10712197 (cited by Labcorp Genetics (formerly Invitae), Labcorp); PubMed 31730495 (cited by Labcorp Genetics (formerly Invitae), Labcorp).

NM_001042492.3(NF1):c.4336C>G (p.Leu1446Val)

Gene: NF1 (neurofibromin 1; plus strand). Cytogenetic location: 17q11.2.
Variant type: single nucleotide variant.
Coding change: c.4336C>G on transcript NM_001042492.3 (MANE Select); coding-DNA position 4336, C replaced by G.
Protein change: p.Leu1446Val; replaces leucine 1446 with valine.
Molecular consequence: missense variant.
Genome position (GRCh38, 1-based): chr17:31,259,035, C>G. VCF-style: chr17-31259035-C-G. GRCh37 (hg19) VCF-style: chr17-29586053-C-G.
Other names: c.4273C>G, p.Leu1425Val (NM_000267.4); short protein forms L1425V, L1446V.
Identifiers: ClinVar variation 1692336 (VCV001692336.3), dbSNP rs1555618639, ClinGen allele CA398998687.